The following is an entry in ClinVar:

ClinVar aggregate classification (germline): Uncertain significance (1 of 4 stars; one submission).

Conditions:
Congenital myopathy 4B, autosomal recessive. Also called: Nemaline myopathy 1, autosomal dominant or recessive. Identifiers: Orphanet 171433, Orphanet 171439, Orphanet 171881, MedGen C5829889, MONDO:0012239, OMIM 609284.
Congenital myopathy with fiber type disproportion. Also called: Congenital fiber-type disproportion; Congenital fiber-type disproportion myopathy. Identifiers: Orphanet 2020, MedGen C0546264, MONDO:0009711. Inheritance: all.

Submission:

Labcorp Genetics (formerly Invitae), Labcorp
Classification: Uncertain significance for Congenital myopathy with fiber type disproportion; Congenital myopathy 4B, autosomal recessive. Last evaluated: 2023-03-07. Review status: criteria provided, single submitter. Criteria: Invitae Variant Classification Sherloc (09022015). Collection method: clinical testing. Allele origin: germline.
Comment: In summary, the available evidence is currently insufficient to determine the role of this variant in disease. Therefore, it has been classified as a Variant of Uncertain Significance. Experimental studies and prediction algorithms are not available or were not evaluated, and the effect of this variant on mRNA splicing is currently unknown. This variant has not been reported in the literature in individuals affected with TPM3-related conditions. This variant is present in population databases (rs772808237, gnomAD 0.0009%). This sequence change falls in intron 1 of the TPM3 gene. It does not directly change the encoded amino acid sequence of the TPM3 protein.

NM_152263.4(TPM3):c.118-3_118-2del

Gene: TPM3 (tropomyosin 3; minus strand). Cytogenetic location: 1q21.3.
Variant type: Microsatellite.
Coding change: c.118-3_118-2del on transcript NM_152263.4 (MANE Select); 3 bases into the intron before coding-DNA position 118 through the canonical splice acceptor site of the intron before coding-DNA position 118, 2 bases deleted (TA; older notation c.118-3_118-2delTA).
Molecular consequence: splice acceptor variant.
Genome position (GRCh38, 1-based): chr1:154,191,313-154,191,314, TA deleted on the plus strand (TA on the coding strand, the reverse complement: TPM3 is on the minus strand); deleting any 2 consecutive bases within chr1:154,191,313-154,191,316 gives the same sequence; the c. name uses the placement nearest the transcript's 3' end. VCF-style (leftmost placement, unchanged base first): chr1-154191312-CTA-C. GRCh37 (hg19) VCF-style: chr1-154163788-CTA-C.
Other names: c.118-3_118-2del (NM_001364679.2, NM_001364681.2, NM_001364680.2 and 1 more transcripts).
Identifiers: ClinVar variation 2945086 (VCV002945086.3), dbSNP rs772808237, ClinGen allele CA1125815.